The following is an entry in ClinVar:

NM_032790.4(ORAI1):c.729G>T (p.Met243Ile)

Gene: ORAI1 (ORAI calcium release-activated calcium modulator 1; plus strand). Cytogenetic location: 12q24.31.
Variant type: single nucleotide variant.
Coding change: c.729G>T on transcript NM_032790.4 (MANE Select); coding-DNA position 729, G replaced by T.
Protein change: p.Met243Ile; replaces methionine 243 with isoleucine.
Molecular consequence: missense variant. On other transcripts: non-coding transcript variant (1).
Genome position (GRCh38, 1-based): chr12:121,641,466, G>T. VCF-style: chr12-121641466-G-T. GRCh37 (hg19) VCF-style: chr12-122079372-G-T.
Other names: short protein forms M243I.
Identifiers: ClinVar variation 2950472 (VCV002950472.3), dbSNP rs2503544412, ClinGen allele CA386984296.
Genomic context (GRCh38, chr12:121,641,466, plus strand): 5'-CGTCAGCACCAGCGGCATCACCCCGGGCCAGGCAGCTGCCATCGCCTCGACCACCATCAT[G>T]GTGCCCTTCGGCCTGATCTTTATCGTCTTCGCCGTCCACTTCTACCGCTCACTGGTTAGC-3'
Protein context (NP_116179.2, residues 233-253): QAAAIASTTI[Met243Ile]VPFGLIFIVF

ClinVar aggregate classification (germline): Uncertain significance (1 of 4 stars; one submission).

Conditions:
Combined immunodeficiency due to ORAI1 deficiency. Also called: IMMUNODEFICIENCY 9. Identifiers: Orphanet 169090, Orphanet 317428, MedGen C2748568, MONDO:0013007, OMIM 612782.
Myopathy, tubular aggregate, 2 (TAM2). Identifiers: MedGen C4014557, MONDO:0014383, OMIM 615883.

Submission:

Labcorp Genetics (formerly Invitae), Labcorp
Classification: Uncertain significance for Myopathy, tubular aggregate, 2; Combined immunodeficiency due to ORAI1 deficiency. Last evaluated: 2023-07-29. Review status: criteria provided, single submitter. Criteria: Invitae Variant Classification Sherloc (09022015). Collection method: clinical testing. Allele origin: germline.
Comment: In summary, the available evidence is currently insufficient to determine the role of this variant in disease. Therefore, it has been classified as a Variant of Uncertain Significance. Experimental studies and prediction algorithms are not available or were not evaluated, and the functional significance of this variant is currently unknown. This variant has not been reported in the literature in individuals affected with ORAI1-related conditions. This variant is not present in population databases (gnomAD no frequency). This sequence change replaces methionine, which is neutral and non-polar, with isoleucine, which is neutral and non-polar, at codon 243 of the ORAI1 protein (p.Met243Ile).